The following is an entry in ClinVar:

ClinVar aggregate classification (germline): Likely benign. Review status: criteria provided, multiple submitters, no conflicts (2 of 4 stars). 2 submissions from 2 submitters: Likely benign (2). Last evaluated 2025-09-22.

Allele frequency attached by ClinVar (database versions not stated): TOPMed 0.00029; ESP Exome Variant Server 0.00046.
gnomAD v4.1: 464 of 1,614,056 alleles (0.029%); highest among the groups gnomAD compares: Middle Eastern, 0.033%; no homozygotes.

Submissions (2):

Labcorp Genetics (formerly Invitae), Labcorp
Classification: Likely benign. Last evaluated: 2025-09-22. Review status: criteria provided, single submitter. Criteria: Invitae Variant Classification Sherloc (09022015). Collection method: clinical testing. Allele origin: germline.

CeGaT Center for Human Genetics Tuebingen
Classification: Likely benign. Last evaluated: 2024-08-01. Review status: criteria provided, single submitter. Criteria: CeGaT Center For Human Genetics Tuebingen Variant Classification Criteria Version 2. Collection method: clinical testing. Allele origin: germline. Affected: yes. Observed: 2 variant alleles.
Comment: ANK3: BP4, BP7

NM_020987.5(ANK3):c.10164C>T (p.Asn3388=)

Gene: ANK3 (ankyrin 3; minus strand). Cytogenetic location: 10q21.2.
Variant type: single nucleotide variant.
Coding change: c.10164C>T on transcript NM_020987.5 (MANE Select); coding-DNA position 10164, C replaced by T.
Protein change: p.Asn3388=; no amino-acid change (asparagine 3388 retained).
Molecular consequence: synonymous variant. On other transcripts: intron variant (4).
Genome position (GRCh38, 1-based): chr10:60,070,717, G>A on the plus strand (C>T on the coding strand, the complement: ANK3 is on the minus strand). VCF-style: chr10-60070717-G-A. GRCh37 (hg19) VCF-style: chr10-61830475-G-A.
Other names: c.4388-2708C>T (NM_001204403.2); c.4409-2708C>T (NM_001204404.2); c.4406-2708C>T (NM_001320874.2); c.1808-2708C>T (NM_001149.4).
Identifiers: ClinVar variation 736959 (VCV000736959.49), dbSNP rs148635129, ClinGen allele CA5511276.
Genomic context (GRCh38, chr10:60,070,717, plus strand): 5'-ATCCGTGTCATGAGAAAACTCTGCTGTGGTGGCAATGGAACACTCTGTGATGGACTGGTC[G>A]TTGTTCCCATTCTGGGCAATTTCATTCTGAGGTGAATCAAGGCCAAGGCCAAATTCATTA-3'
Protein context (NP_066267.2, residues 3378-3398): PQNEIAQNGN[Asn3388=]DQSITECSIA